The following is an entry in ClinVar:

ClinVar aggregate classification (germline): Uncertain significance (1 of 4 stars; one submission).

Conditions:
Inborn genetic diseases. Identifiers: MedGen C0950123, MeSH D030342.

gnomAD v4.1: 2 of 1,614,000 alleles (0.00012%); highest among the groups gnomAD compares: Non-Finnish European, 0.00017%; no homozygotes.

Submission:

Ambry Genetics
Classification: Uncertain significance for Inborn genetic diseases. Last evaluated: 2025-03-19. Review status: criteria provided, single submitter. Criteria: Ambry Variant Classification Scheme 2023. Collection method: clinical testing. Allele origin: germline.
Comment: The p.S182I variant (also known as c.545G>T), located in coding exon 6 of the RTEL1 gene, results from a G to T substitution at nucleotide position 545. The serine at codon 182 is replaced by isoleucine, an amino acid with dissimilar properties. This amino acid position is conserved. In addition, this alteration is predicted to be tolerated by in silico analysis. Based on the available evidence, the clinical significance of this variant remains unclear.

NM_001283009.2(RTEL1):c.545G>T (p.Ser182Ile)

Genes: RTEL1 (regulator of telomere elongation helicase 1; plus strand), RTEL1-TNFRSF6B (RTEL1-TNFRSF6B readthrough (NMD candidate); plus strand). Cytogenetic location: 20q13.33.
Variant type: single nucleotide variant.
Coding change: c.545G>T on transcript NM_001283009.2 (MANE Select); coding-DNA position 545, G replaced by T.
Protein change: p.Ser182Ile; replaces serine 182 with isoleucine.
Molecular consequence: missense variant. On other transcripts: non-coding transcript variant (1), 5 prime UTR variant (1).
Genome position (GRCh38, 1-based): chr20:63,666,010, G>T. VCF-style: chr20-63666010-G-T. GRCh37 (hg19) VCF-style: chr20-62297363-G-T.
Other names: c.-125G>T (NM_001283010.1); c.545G>T, p.Ser182Ile (NM_016434.4); c.617G>T, p.Ser206Ile (NM_032957.5); short protein forms S182I, S206I.
Identifiers: ClinVar variation 3948228 (VCV003948228.1).
Genomic context (GRCh38, chr20:63,666,010, plus strand): 5'-CTGGGACTTAGTGGACCCTGAGGGTGTGTGTTTACCCCTGCCTCACACCTGCAGAAAAAA[G>T]CCTGGAGCAGGAGCTGGCCAGCCCCATCCTGGACATTGAGGACTTGGTCAAGAGCGGAAG-3'
Protein context (NP_001269938.1, residues 172-192): CHFYNNVEEK[Ser182Ile]LEQELASPIL